The following is an entry in ClinVar:

NM_000179.3(MSH6):c.3620A>C (p.His1207Pro)

Gene: MSH6 (mutS homolog 6; plus strand). Cytogenetic location: 2p16.3.
Variant type: single nucleotide variant.
Coding change: c.3620A>C on transcript NM_000179.3 (MANE Select); coding-DNA position 3620, A replaced by C.
Protein change: p.His1207Pro; replaces histidine 1207 with proline.
Molecular consequence: missense variant.
Genome position (GRCh38, 1-based): chr2:47,805,681, A>C. VCF-style: chr2-47805681-A-C. GRCh37 (hg19) VCF-style: chr2-48032820-A-C.
Other names: c.3230A>C, p.His1077Pro (NM_001281492.2); c.2714A>C, p.His905Pro (NM_001281493.2, NM_001281494.2, NM_001406811.1 and 6 more transcripts); c.3716A>C, p.His1239Pro (NM_001406795.1, NM_001406802.1); c.3620A>C, p.His1207Pro (NM_001406796.1, NM_001406800.1, NM_001406808.1 and 1 more transcripts); c.3323A>C, p.His1108Pro (NM_001406797.1, NM_001406801.1, NM_001406805.1 and 10 more transcripts); c.3446A>C, p.His1149Pro (NM_001406798.1); c.3095A>C, p.His1032Pro (NM_001406799.1, NM_001406806.1, NM_001406807.1); c.2756A>C, p.His919Pro (NM_001406803.1); and 7 more; short protein forms H1207P, H1108P, H134P, H919P, H1149P, H1181P, H1239P, H156P.
Identifiers: ClinVar variation 1733319 (VCV001733319.3), dbSNP rs2104525263, ClinGen allele CA346760584.

ClinVar aggregate classification (germline): Uncertain significance. Review status: criteria provided, multiple submitters, no conflicts (2 of 4 stars). 2 submissions from 2 submitters: Uncertain significance (2). Last evaluated 2025-05-05.

Conditions:
Hereditary cancer-predisposing syndrome. Also called: Neoplastic Syndromes, Hereditary; Tumor predisposition; Hereditary Cancer Syndrome; Hereditary neoplastic syndrome. Identifiers: Orphanet 140162, MedGen C0027672, MeSH D009386, MONDO:0015356.

Submissions (2):

GeneDx
Classification: Uncertain significance. Last evaluated: 2025-05-05. Review status: criteria provided, single submitter. Criteria: GeneDx Variant Classification Process June 2021. Collection method: clinical testing. Allele origin: germline. Affected: yes.
Comment: Not observed at significant frequency in large population cohorts (gnomAD); In silico analysis supports that this missense variant has a deleterious effect on protein structure/function; Has not been previously published as pathogenic or benign to our knowledge

Ambry Genetics
Classification: Uncertain significance for Hereditary cancer-predisposing syndrome. Last evaluated: 2021-06-22. Review status: criteria provided, single submitter. Criteria: Ambry Variant Classification Scheme 2023. Collection method: clinical testing. Allele origin: germline.
Comment: The p.H1207P variant (also known as c.3620A>C), located in coding exon 7 of the MSH6 gene, results from an A to C substitution at nucleotide position 3620. The histidine at codon 1207 is replaced by proline, an amino acid with similar properties. This amino acid position is highly conserved in available vertebrate species. In addition, this alteration is predicted to be deleterious by in silico analysis. Since supporting evidence is limited at this time, the clinical significance of this alteration remains unclear.